The following is an entry in ClinVar:

NM_014014.5(SNRNP200):c.3281C>T (p.Ala1094Val)

Gene: SNRNP200 (small nuclear ribonucleoprotein U5 subunit 200; minus strand). Cytogenetic location: 2q11.2.
Variant type: single nucleotide variant.
Coding change: c.3281C>T on transcript NM_014014.5 (MANE Select); coding-DNA position 3281, C replaced by T.
Protein change: p.Ala1094Val; replaces alanine 1094 with valine.
Molecular consequence: missense variant.
Genome position (GRCh38, 1-based): chr2:96,287,947, G>A on the plus strand (C>T on the coding strand, the complement: SNRNP200 is on the minus strand). VCF-style: chr2-96287947-G-A. GRCh37 (hg19) VCF-style: chr2-96953685-G-A.
Other names: short protein forms A1094V.
Identifiers: ClinVar variation 2030009 (VCV002030009.4), dbSNP rs944498158, ClinGen allele CA52395603.

ClinVar aggregate classification (germline): Uncertain significance (1 of 4 stars; one submission).

Allele frequency attached by ClinVar (database versions not stated): gnomAD exomes below 0.00001; gnomAD 0.00001; TOPMed 0.00001.
gnomAD v4.1: 7 of 1,614,014 alleles (0.00043%); highest among the groups gnomAD compares: African/African-American, 0.0027%; no homozygotes.

Submission:

Labcorp Genetics (formerly Invitae), Labcorp
Classification: Uncertain significance. Last evaluated: 2024-04-20. Review status: criteria provided, single submitter. Criteria: Invitae Variant Classification Sherloc (09022015). Collection method: clinical testing. Allele origin: germline.
Comment: This sequence change replaces alanine, which is neutral and non-polar, with valine, which is neutral and non-polar, at codon 1094 of the SNRNP200 protein (p.Ala1094Val). This variant is not present in population databases (gnomAD no frequency). This variant has not been reported in the literature in individuals affected with SNRNP200-related conditions. ClinVar contains an entry for this variant (Variation ID: 2030009). Advanced modeling of protein sequence and biophysical properties (such as structural, functional, and spatial information, amino acid conservation, physicochemical variation, residue mobility, and thermodynamic stability) performed at Invitae indicates that this missense variant is expected to disrupt SNRNP200 protein function with a positive predictive value of 80%. In summary, the available evidence is currently insufficient to determine the role of this variant in disease. Therefore, it has been classified as a Variant of Uncertain Significance.